The following is an entry in ClinVar:

NM_000478.6(ALPL):c.1573T>C (p.Ter525Arg)

Gene: ALPL (alkaline phosphatase, biomineralization associated; plus strand). Cytogenetic location: 1p36.12.
Variant type: single nucleotide variant.
Coding change: c.1573T>C on transcript NM_000478.6 (MANE Select); coding-DNA position 1573, T replaced by C.
Protein change: p.Ter525Arg.
Molecular consequence: stop lost.
Genome position (GRCh38, 1-based): chr1:21,577,646, T>C. VCF-style: chr1-21577646-T-C. GRCh37 (hg19) VCF-style: chr1-21904139-T-C.
Other names: c.1408T>C, p.Ter470Arg (NM_001127501.4); c.1342T>C, p.Ter448Arg (NM_001177520.3); c.1573T>C, p.Ter525Arg (NM_001369803.2, NM_001369804.2, NM_001369805.2).
Identifiers: ClinVar variation 4086910 (VCV004086910.2).

ClinVar aggregate classification (germline): Uncertain significance. Review status: criteria provided, multiple submitters, no conflicts (2 of 4 stars). 2 submissions from 2 submitters: Uncertain significance (2). Last evaluated 2025-12-11.

Conditions:
Hypophosphatasia. Also called: Phosphoethanol-aminuria. Identifiers: Orphanet 436, MedGen C0020630, MeSH D007014, MONDO:0018570.

gnomAD v4.1: 3 of 1,596,866 alleles (0.00019%); highest among the groups gnomAD compares: East Asian, 0.0022%; no homozygotes.

Submissions (2):

JKU Lab, Dept of Paediatrics, Johannes Kepler University
Classification: Uncertain significance for Hypophosphatasia. Last evaluated: 2025-12-11. Review status: criteria provided, single submitter. Criteria: ACMG Guidelines, 2015. Collection method: curation. Allele origin: germline. Affected: yes.
Comment: This stop-loss variant is present in GnomAD 4.1 (f = 0.0001384%) and affects a highly conserved amino acid, not in a functional domain. REVEL-score is not applicable. Splice-prediction algorithms predict no effect on splicing. This variant has been reported in the literature in individuals affected with ALPL-related conditions (PMID:27342130;38884565).

Genomenon, Inc
Classification: Uncertain significance for Hypophosphatasia. Last evaluated: 2025-08-29. Review status: criteria provided, single submitter. Criteria: Genomenon Sequence Variant Interpretation Standards. Collection method: curation. Allele origin: germline. Affected: yes.
Comment: ALPL p.Ter525Argext*11 (c.1573T>C) is a stop-lost variant that results in a C-terminal protein extension. This variant has been reported in the published literature (PMID:37600704;38884565). It is absent or not present at a significant frequency in gnomAD. In conclusion, we classify ALPL p.Ter525Argext*11 (c.1573T>C) as a variant of unknown significance.

Literature cited by the submitters: PubMed 27342130 (cited by JKU Lab, Dept of Paediatrics, Johannes Kepler University); PubMed 38884565 (cited by JKU Lab, Dept of Paediatrics, Johannes Kepler University and Genomenon, Inc); PubMed 37600704 (cited by Genomenon, Inc).